The following is an entry in ClinVar:

NM_006017.3(PROM1):c.2364C>T (p.Ile788=)

Gene: PROM1 (prominin 1; minus strand). Cytogenetic location: 4p15.32.
Variant type: single nucleotide variant.
Coding change: c.2364C>T on transcript NM_006017.3 (MANE Select); coding-DNA position 2364, C replaced by T.
Protein change: p.Ile788=; no amino-acid change (isoleucine 788 retained).
Molecular consequence: synonymous variant.
Genome position (GRCh38, 1-based): chr4:15,984,272, G>A on the plus strand (C>T on the coding strand, the complement: PROM1 is on the minus strand). VCF-style: chr4-15984272-G-A. GRCh37 (hg19) VCF-style: chr4-15985895-G-A.
Other names: c.2337C>T, p.Ile779= (NM_001145847.2, NM_001145848.2, NM_001145851.2 and 4 more transcripts); c.2364C>T, p.Ile788= (NM_001145849.2, NM_001145850.2).
Identifiers: ClinVar variation 347977 (VCV000347977.14), dbSNP rs551849678, ClinGen allele CA2866416.

ClinVar aggregate classification (germline): Conflicting classifications of pathogenicity. Review status: criteria provided, conflicting classifications (1 of 4 stars). 6 submissions from 3 submitters: Uncertain significance (2); Likely benign (4). Last evaluated 2026-01-13.

Conditions:
Retinitis pigmentosa (RP). Identifiers: Orphanet 791, MedGen C0035334, MeSH D012174, MONDO:0019200, OMIM 268000. Inheritance: Autosomal dominant, autosomal recessive and X linked inheritance.
Cone-rod dystrophy 12 (CORD12). Identifiers: Orphanet 1872, MedGen C2675210, MONDO:0012983, OMIM 612657.
Retinal macular dystrophy type 2 (MCDR2). Also called: Bull's eye macular dystrophy. Identifiers: Orphanet 319640, MedGen C4749334, MONDO:0011957, OMIM 608051.
Stargardt disease 4 (STGD4). Identifiers: Orphanet 827, MedGen C1863534, MONDO:0011370, OMIM 603786.

Allele frequency attached by ClinVar (database versions not stated): gnomAD exomes 0.00002 and 0.00011; gnomAD 0.00004 and 0.00006; TOPMed 0.00004; ExAC 0.00013; 1000 Genomes Project 30x 0.00047; 1000 Genomes Project 0.00060.

Submissions (6):

Labcorp Genetics (formerly Invitae), Labcorp
Classification: Likely benign. Last evaluated: 2026-01-13. Review status: criteria provided, single submitter. Criteria: Invitae Variant Classification Sherloc (09022015). Collection method: clinical testing. Allele origin: germline.

Blueprint Genetics
Classification: Likely benign. Last evaluated: 2024-03-22. Review status: criteria provided, single submitter. Criteria: ACMG Guidelines, 2015. Collection method: clinical testing. Allele origin: germline.

Illumina Laboratory Services, Illumina
Classification: Uncertain significance for Retinitis pigmentosa. Last evaluated: 2018-01-13. Review status: criteria provided, single submitter. Criteria: ICSL Variant Classification Criteria 13 December 2019. Collection method: clinical testing. Allele origin: germline.

Illumina Laboratory Services, Illumina
Classification: Uncertain significance for Retinal macular dystrophy type 2. Last evaluated: 2018-01-13. Review status: criteria provided, single submitter. Criteria: ICSL Variant Classification Criteria 13 December 2019. Collection method: clinical testing. Allele origin: germline.

Illumina Laboratory Services, Illumina
Classification: Likely benign for Stargardt disease 4. Last evaluated: 2018-01-13. Review status: criteria provided, single submitter. Criteria: ICSL Variant Classification Criteria 13 December 2019. Collection method: clinical testing. Allele origin: germline.
Comment: This variant was observed in the ICSL laboratory as part of a predisposition screen in an ostensibly healthy population. It had not been previously curated by ICSL or reported in the Human Gene Mutation Database (HGMD: prior to June 1st, 2018), and was therefore a candidate for classification through an automated scoring system. Utilizing variant allele frequency, disease prevalence and penetrance estimates, and inheritance mode, an automated score was calculated to assess if this variant is too frequent to cause the disease. Based on the score and internal cut-off values, a variant classified as likely benign is not then subjected to further curation. The score for this variant resulted in a classification of likely benign for this disease.

Illumina Laboratory Services, Illumina
Classification: Likely benign for Cone-rod dystrophy 12. Last evaluated: 2018-01-13. Review status: criteria provided, single submitter. Criteria: ICSL Variant Classification Criteria 13 December 2019. Collection method: clinical testing. Allele origin: germline.
Comment: the same text as in the submission from Illumina Laboratory Services, Illumina above.